The following is an entry in ClinVar:

NM_182914.3(SYNE2):c.9286T>C (p.Cys3096Arg)

Gene: SYNE2 (spectrin repeat containing nuclear envelope protein 2; plus strand). Cytogenetic location: 14q23.2.
Variant type: single nucleotide variant.
Coding change: c.9286T>C on transcript NM_182914.3 (MANE Select); coding-DNA position 9286, T replaced by C.
Protein change: p.Cys3096Arg; replaces cysteine 3096 with arginine.
Molecular consequence: missense variant.
Genome position (GRCh38, 1-based): chr14:64,053,199, T>C. VCF-style: chr14-64053199-T-C. GRCh37 (hg19) VCF-style: chr14-64519917-T-C.
Other names: c.9286T>C, p.Cys3096Arg (NM_015180.6); short protein forms C3096R.
Identifiers: ClinVar variation 1058625 (VCV001058625.9), dbSNP rs2153577355, ClinGen allele CA389977506.

ClinVar aggregate classification (germline): Uncertain significance (1 of 4 stars; one submission).

Conditions:
Emery-Dreifuss muscular dystrophy 5, autosomal dominant (EDMD5). Also called: EMERY-DREIFUSS MUSCULAR DYSTROPHY 5. Identifiers: Orphanet 261, MedGen C2751805, MONDO:0013072, OMIM 612999.

Submission:

Labcorp Genetics (formerly Invitae), Labcorp
Classification: Uncertain significance for Emery-Dreifuss muscular dystrophy 5, autosomal dominant. Last evaluated: 2020-10-06. Review status: criteria provided, single submitter. Criteria: Invitae Variant Classification Sherloc (09022015). Collection method: clinical testing. Allele origin: germline.
Comment: In summary, the available evidence is currently insufficient to determine the role of this variant in disease. Therefore, it has been classified as a Variant of Uncertain Significance. Algorithms developed to predict the effect of missense changes on protein structure and function output the following: SIFT: "Tolerated"; PolyPhen-2: "Benign"; Align-GVGD: "Class C0". The arginine amino acid residue is found in multiple mammalian species, suggesting that this missense change does not adversely affect protein function. These predictions have not been confirmed by published functional studies and their clinical significance is uncertain. This variant has not been reported in the literature in individuals with SYNE2-related conditions. This variant is not present in population databases (ExAC no frequency). This sequence change replaces cysteine with arginine at codon 3096 of the SYNE2 protein (p.Cys3096Arg). The cysteine residue is weakly conserved and there is a large physicochemical difference between cysteine and arginine.